The following is an entry in ClinVar:

NM_020365.5(EIF2B3):c.497G>A (p.Arg166Lys)

Gene: EIF2B3 (eukaryotic translation initiation factor 2B subunit gamma; minus strand). Cytogenetic location: 1p34.1.
Variant type: single nucleotide variant.
Coding change: c.497G>A on transcript NM_020365.5 (MANE Select); coding-DNA position 497, G replaced by A.
Protein change: p.Arg166Lys; replaces arginine 166 with lysine.
Molecular consequence: missense variant.
Genome position (GRCh38, 1-based): chr1:44,926,697, C>T on the plus strand (G>A on the coding strand, the complement: EIF2B3 is on the minus strand). VCF-style: chr1-44926697-C-T. GRCh37 (hg19) VCF-style: chr1-45392369-C-T.
Other names: c.497G>A (NM_020365.4); c.497G>A, p.Arg166Lys (NM_001166588.3, NM_001261418.2); short protein forms R166K.
Identifiers: ClinVar variation 1471263 (VCV001471263.7), dbSNP rs752434700, ClinGen allele CA823997.
Genomic context (GRCh38, chr1:44,926,697, plus strand): 5'-ATGGATCCCTTAATGACCAGCTCTTCATCCAAGTCTGCTTCATTAGCCATGAAGAGCAGC[C>T]TCTTTCCTGTGCTGTCCACTCCAATGAAGTCACGCTGCTCCACTGAATCATACAAAAGAA-3'
Protein context (NP_065098.1, residues 156-176): DFIGVDSTGK[Arg166Lys]LLFMANEADL

ClinVar aggregate classification (germline): Uncertain significance. Review status: criteria provided, multiple submitters, no conflicts (2 of 4 stars). 2 submissions from 2 submitters: Uncertain significance (2). Last evaluated 2021-08-31.

Conditions:
Leukoencephalopathy with vanishing white matter 3 (VWM3). Also called: Leukoencephalopathy with vanishing white matter 3, with or without ovarian failure; EIF2B3-Related Childhood Ataxia with Central Nervous System Hypomyelination/Vanishing White Matter. Identifiers: MedGen C5830405, MONDO:0957871, OMIM 620313.

Allele frequency attached by ClinVar (database versions not stated): TOPMed 0.00001; gnomAD exomes 0.00002 and 0.00006; ExAC 0.00007.
gnomAD v4.1: 13 of 1,613,942 alleles (0.00081%); highest among the groups gnomAD compares: East Asian, 0.027%; no homozygotes.

Submissions (2):

Labcorp Genetics (formerly Invitae), Labcorp
Classification: Uncertain significance. Last evaluated: 2021-08-31. Review status: criteria provided, single submitter. Criteria: Invitae Variant Classification Sherloc (09022015). Collection method: clinical testing. Allele origin: germline.
Comment: This sequence change replaces arginine with lysine at codon 166 of the EIF2B3 protein (p.Arg166Lys). The arginine residue is highly conserved and there is a small physicochemical difference between arginine and lysine. This variant is present in population databases (rs752434700, ExAC 0.09%). This variant has not been reported in the literature in individuals affected with EIF2B3-related conditions. Algorithms developed to predict the effect of missense changes on protein structure and function (SIFT, PolyPhen-2, Align-GVGD) all suggest that this variant is likely to be tolerated. In summary, the available evidence is currently insufficient to determine the role of this variant in disease. Therefore, it has been classified as a Variant of Uncertain Significance.

Revvity Omics, Revvity
Classification: Uncertain significance for Leukoencephalopathy with vanishing white matter 3. Last evaluated: 2020-09-04. Review status: criteria provided, single submitter. Criteria: ACMG Guidelines, 2015. Collection method: clinical testing. Allele origin: germline.